The following is an entry in ClinVar:

NM_032638.5(GATA2):c.700G>A (p.Ala234Thr)

Gene: GATA2 (GATA binding protein 2; minus strand). Cytogenetic location: 3q21.3.
Variant type: single nucleotide variant.
Coding change: c.700G>A on transcript NM_032638.5 (MANE Select); coding-DNA position 700, G replaced by A.
Protein change: p.Ala234Thr; replaces alanine 234 with threonine.
Molecular consequence: missense variant.
Genome position (GRCh38, 1-based): chr3:128,485,898, C>T on the plus strand (G>A on the coding strand, the complement: GATA2 is on the minus strand). VCF-style: chr3-128485898-C-T. GRCh37 (hg19) VCF-style: chr3-128204741-C-T.
Other names: c.700G>A, p.Ala234Thr (NM_001145661.2, NM_001145662.1); short protein forms A234T.
Identifiers: ClinVar variation 944526 (VCV000944526.9), dbSNP rs776216814, ClinGen allele CA2599975.

ClinVar aggregate classification (germline): Uncertain significance (1 of 4 stars; one submission).

Conditions:
Deafness-lymphedema-leukemia syndrome. Also called: Emberger syndrome; Lymphedema, primary, with myelodysplasia. Identifiers: Orphanet 3226, MedGen C3279664, MONDO:0013540, OMIM 614038.
Monocytopenia with susceptibility to infections. Also called: IMMUNODEFICIENCY 21; GATA2 DEFICIENCY; MONOCYTOPENIA AND MYCOBACTERIAL INFECTION SYNDROME; MONOCYTOPENIA WITH SUSCEPTIBILITY TO MYCOBACTERIAL, FUNGAL, AND PAPILLOMAVIRUS INFECTIONS AND MYELODYSPLASIA; COMBINED IMMUNODEFICIENCY WITH SUSCEPTIBILITY TO MYCOBACTERIAL, VIRAL, AND FUNGAL INFECTIONS; Dendritic cell, monocyte, B lymphocyte, and natural killer lymphocyte deficiency. Identifiers: Orphanet 228423, MedGen C3280030, MONDO:0013607, OMIM 614172.

Allele frequency attached by ClinVar (database versions not stated): gnomAD exomes below 0.00001; ExAC 0.00001.
gnomAD v4.1: 7 of 1,614,094 alleles (0.00043%); highest among the groups gnomAD compares: South Asian, 0.0077%; no homozygotes.

Submission:

Labcorp Genetics (formerly Invitae), Labcorp
Classification: Uncertain significance for Monocytopenia with susceptibility to infections; Deafness-lymphedema-leukemia syndrome. Last evaluated: 2022-10-31. Review status: criteria provided, single submitter. Criteria: Invitae Variant Classification Sherloc (09022015). Collection method: clinical testing. Allele origin: germline.
Comment: In summary, the available evidence is currently insufficient to determine the role of this variant in disease. Therefore, it has been classified as a Variant of Uncertain Significance. Advanced modeling of protein sequence and biophysical properties (such as structural, functional, and spatial information, amino acid conservation, physicochemical variation, residue mobility, and thermodynamic stability) performed at Invitae indicates that this missense variant is not expected to disrupt GATA2 protein function. ClinVar contains an entry for this variant (Variation ID: 944526). This variant has not been reported in the literature in individuals affected with GATA2-related conditions. This variant is present in population databases (rs776216814, gnomAD 0.003%). This sequence change replaces alanine, which is neutral and non-polar, with threonine, which is neutral and polar, at codon 234 of the GATA2 protein (p.Ala234Thr).